The following is an entry in ClinVar:

NM_007294.4(BRCA1):c.-6A>C

Gene: BRCA1 (BRCA1 DNA repair associated; minus strand). Cytogenetic location: 17q21.31.
Variant type: single nucleotide variant.
Coding change: c.-6A>C on transcript NM_007294.4 (MANE Select); 6 bases upstream of the start codon, A replaced by C.
Molecular consequence: 5 prime UTR variant. On other transcripts: non-coding transcript variant (1).
Genome position (GRCh38, 1-based): chr17:43,124,102, T>G on the plus strand (A>C on the coding strand, the complement: BRCA1 is on the minus strand). VCF-style: chr17-43124102-T-G. GRCh37 (hg19) VCF-style: chr17-41276119-T-G.
Other names: c.-6A>C (NM_001408443.1, NM_001408444.1, NM_001408445.1 and 193 more transcripts); c.-266A>C (NM_001408452.1, NM_001408462.1, NM_001408463.1 and 22 more transcripts); c.-93A>C (NM_001408454.1, NM_001408459.1, NM_001408460.1 and 23 more transcripts); c.-263A>C (NM_001408455.1, NM_001408456.1, NM_001408468.1 and 11 more transcripts); c.-267A>C (NM_001408465.1, NM_001407695.1); c.-194A>C (NM_001408478.1, NM_001408479.1, NM_001408480.1 and 46 more transcripts); c.-339A>C (NM_001408482.1); c.-310A>C (NM_001408492.1, NM_001407889.1); and 8 more.
Identifiers: ClinVar variation 868668 (VCV000868668.3), dbSNP rs2055748702, ClinGen allele CA916081144.

Conditions:
Breast-ovarian cancer, familial, susceptibility to, 1 (BROVCA1). Also called: BRCA1 Hereditary Breast and Ovarian Cancer; OVARIAN CANCER, SUSCEPTIBILITY TO. Identifiers: Orphanet 145, MedGen C2676676, MONDO:0011450, OMIM 604370. Disease mechanism: loss of function.

Submission:

Brotman Baty Institute, University of Washington
No classification provided (evidence only). Condition: Breast-ovarian cancer, familial 1. Review status: no classification provided. Collection method: in vitro. Allele origin: not applicable. Functional consequence: functionally_normal.
ClinVar note: "not provided" was previously submitted as the classification for the variant. However, the classification appeared to be based only on an observation of functional data so it was converted to no classification on 2025-07-30.